The following is an entry in ClinVar:

NM_001204.7(BMPR2):c.1503G>A (p.Met501Ile)

Gene: BMPR2 (bone morphogenetic protein receptor type 2; plus strand). Cytogenetic location: 2q33.2.
Variant type: single nucleotide variant.
Coding change: c.1503G>A on transcript NM_001204.7 (MANE Select); coding-DNA position 1503, G replaced by A.
Protein change: p.Met501Ile; replaces methionine 501 with isoleucine.
Molecular consequence: missense variant.
Genome position (GRCh38, 1-based): chr2:202,552,805, G>A. VCF-style: chr2-202552805-G-A. GRCh37 (hg19) VCF-style: chr2-203417528-G-A.
Other names: short protein forms M501I.
Identifiers: ClinVar variation 4214461 (VCV004214461.1).

ClinVar aggregate classification (germline): Uncertain significance (1 of 4 stars; one submission).

Conditions:
Inborn genetic diseases. Identifiers: MedGen C0950123, MeSH D030342.

gnomAD v4.1: 1 of 1,614,030 alleles (0.000062%); highest among the groups gnomAD compares: African/African-American, 0.0013%; no homozygotes.

Submission:

Ambry Genetics
Classification: Uncertain significance for Inborn genetic diseases. Last evaluated: 2025-07-22. Review status: criteria provided, single submitter. Criteria: Ambry Variant Classification Scheme 2023. Collection method: clinical testing. Allele origin: germline.
Comment: The p.M501I variant (also known as c.1503G>A), located in coding exon 11 of the BMPR2 gene, results from a G to A substitution at nucleotide position 1503. The methionine at codon 501 is replaced by isoleucine, an amino acid with highly similar properties. This amino acid position is conserved. In addition, the in silico prediction for this alteration is inconclusive. Based on the available evidence, the clinical significance of this variant remains unclear.